The following is an entry in ClinVar:

ClinVar aggregate classification (germline): Uncertain significance (1 of 4 stars; one submission).

Submission:

CeGaT Center for Human Genetics Tuebingen
Classification: Uncertain significance. Last evaluated: 2025-12-01. Review status: criteria provided, single submitter. Criteria: CeGaT Center For Human Genetics Tuebingen Variant Classification Criteria Version 2. Collection method: clinical testing. Allele origin: germline. Affected: yes. Observed: 1 variant allele.
Comment: FICD: PM2, BP4

NM_007076.3(FICD):c.994C>G (p.Gln332Glu)

Gene: FICD (FIC domain protein adenylyltransferase; plus strand). Cytogenetic location: 12q23.3.
Variant type: single nucleotide variant.
Coding change: c.994C>G on transcript NM_007076.3 (MANE Select); coding-DNA position 994, C replaced by G.
Protein change: p.Gln332Glu; replaces glutamine 332 with glutamic acid.
Molecular consequence: missense variant.
Genome position (GRCh38, 1-based): chr12:108,519,092, C>G. VCF-style: chr12-108519092-C-G. GRCh37 (hg19) VCF-style: chr12-108912869-C-G.
Other names: short protein forms Q332E.
Identifiers: ClinVar variation 4681628 (VCV004681628.5).